The following is an entry in ClinVar:

ClinVar aggregate classification (germline): Uncertain significance (1 of 4 stars; one submission).

Conditions:
Neuropathy, hereditary sensory, type 2C. Also called: Hereditary sensory and autonomic neuropathy type IIC; KIF1A-Related HSAN2 (HSAN2C). Identifiers: Orphanet 970, MedGen C3280168, MONDO:0013634, OMIM 614213.
Intellectual disability, autosomal dominant 9 (NESCAVS). Also called: KIF1A-Related Neurodevelopmental Disorder; NESCAV SYNDROME. Identifiers: Orphanet 662367, MedGen C5393830, MONDO:0013656, OMIM 614255.
Hereditary spastic paraplegia 30. Identifiers: Orphanet 101010, MedGen C5235139, MONDO:0012476.

Allele frequency attached by ClinVar (database versions not stated): gnomAD exomes below 0.00001.
gnomAD v4.1: 1 of 1,612,864 alleles (0.000062%); highest among the groups gnomAD compares: Non-Finnish European, 0.000085%; no homozygotes.

Submission:

Labcorp Genetics (formerly Invitae), Labcorp
Classification: Uncertain significance for Hereditary spastic paraplegia 30; Neuropathy, hereditary sensory, type 2C; Intellectual disability, autosomal dominant 9. Last evaluated: 2025-05-12. Review status: criteria provided, single submitter. Criteria: Invitae Variant Classification Sherloc (09022015). Collection method: clinical testing. Allele origin: germline.
Comment: This sequence change falls in intron 33 of the KIF1A gene. It does not directly change the encoded amino acid sequence of the KIF1A protein. It affects a nucleotide within the consensus splice site. This variant is not present in population databases (gnomAD no frequency). This variant has not been reported in the literature in individuals affected with KIF1A-related conditions. ClinVar contains an entry for this variant (Variation ID: 972973). Variants that disrupt the consensus splice site are a relatively common cause of aberrant splicing (PMID: 17576681, 9536098). Algorithms developed to predict the effect of sequence changes on RNA splicing suggest that this variant is not likely to affect RNA splicing. In summary, the available evidence is currently insufficient to determine the role of this variant in disease. Therefore, it has been classified as a Variant of Uncertain Significance.

Literature cited by the submitters: PubMed 17576681 (cited by Labcorp Genetics (formerly Invitae), Labcorp); PubMed 9536098 (cited by Labcorp Genetics (formerly Invitae), Labcorp).

NM_001244008.2(KIF1A):c.3816+3G>A

Genes: KIF1A (kinesin family member 1A; minus strand), LOC126806583 (P300/CBP strongly-dependent group 1 enhancer GRCh37_chr2:241678910-241680109; plus strand). Cytogenetic location: 2q37.3.
Variant type: single nucleotide variant.
Coding change: c.3816+3G>A on transcript NM_001244008.2 (MANE Select); 3 bases into the intron after coding-DNA position 3816, G replaced by A.
Molecular consequence: intron variant.
Genome position (GRCh38, 1-based): chr2:240,740,295, C>T on the plus strand (G>A on the coding strand, the complement: KIF1A is on the minus strand). VCF-style: chr2-240740295-C-T. GRCh37 (hg19) VCF-style: chr2-241679712-C-T.
Other names: c.3513+3G>A (NM_001379653.1, NM_001379650.1, NM_001379641.1 and 5 more transcripts); c.3789+3G>A (NM_001379645.1, NM_001379633.1, NM_001379642.1); c.3615+3G>A (NM_001379635.1, NM_001330290.2, NM_001379646.1 and 1 more transcripts); c.3510+3G>A (NM_001379640.1); c.3765+3G>A (NM_001379632.1); c.3588+3G>A (NM_001379637.1, NM_001379648.1); c.3540+3G>A (NM_001320705.2, NM_001379638.1, NM_001330289.2); c.3891+3G>A (NM_001379631.1).
Identifiers: ClinVar variation 972973 (VCV000972973.3), dbSNP rs2047809605, ClinGen allele CA1139657805.